The following is an entry in ClinVar:

NM_001029883.3(PCARE):c.2911A>G (p.Arg971Gly)

Gene: PCARE (photoreceptor cilium actin regulator; minus strand). Cytogenetic location: 2p23.2.
Variant type: single nucleotide variant.
Coding change: c.2911A>G on transcript NM_001029883.3 (MANE Select); coding-DNA position 2911, A replaced by G.
Protein change: p.Arg971Gly; replaces arginine 971 with glycine.
Molecular consequence: missense variant.
Genome position (GRCh38, 1-based): chr2:29,071,351, T>C on the plus strand (A>G on the coding strand, the complement: PCARE is on the minus strand). VCF-style: chr2-29071351-T-C. GRCh37 (hg19) VCF-style: chr2-29294217-T-C.
Other names: short protein forms R971G.
Identifiers: ClinVar variation 1467960 (VCV001467960.8), dbSNP rs780099739, ClinGen allele CA346476175.

ClinVar aggregate classification (germline): Uncertain significance (1 of 4 stars; one submission).

gnomAD v4.1: 2 of 1,613,708 alleles (0.00012%); highest among the groups gnomAD compares: Non-Finnish European, 0.00017%; no homozygotes.

Submission:

Labcorp Genetics (formerly Invitae), Labcorp
Classification: Uncertain significance. Last evaluated: 2021-03-31. Review status: criteria provided, single submitter. Criteria: Invitae Variant Classification Sherloc (09022015). Collection method: clinical testing. Allele origin: germline.
Comment: Algorithms developed to predict the effect of missense changes on protein structure and function output the following: SIFT: "Tolerated"; PolyPhen-2: "Benign"; Align-GVGD: "Class C0". The glycine amino acid residue is found in multiple mammalian species, suggesting that this missense change does not adversely affect protein function. These predictions have not been confirmed by published functional studies and their clinical significance is uncertain. In summary, the available evidence is currently insufficient to determine the role of this variant in disease. Therefore, it has been classified as a Variant of Uncertain Significance. This sequence change replaces arginine with glycine at codon 971 of the PCARE protein (p.Arg971Gly). The arginine residue is highly conserved and there is a moderate physicochemical difference between arginine and glycine. This variant is not present in population databases (ExAC no frequency). This variant has not been reported in the literature in individuals with PCARE-related conditions.